The following is an entry in ClinVar:

NM_000202.8(IDS):c.95C>A (p.Ser32Ter)

Gene: IDS (iduronate 2-sulfatase; minus strand). Cytogenetic location: Xq28.
Variant type: single nucleotide variant.
Coding change: c.95C>A on transcript NM_000202.8 (MANE Select); coding-DNA position 95, C replaced by A.
Protein change: p.Ser32Ter; replaces serine 32 with a stop codon.
Molecular consequence: nonsense. On other transcripts: 5 prime UTR variant (1), non-coding transcript variant (1).
Genome position (GRCh38, 1-based): chrX:149,505,043, G>T on the plus strand (C>A on the coding strand, the complement: IDS is on the minus strand). VCF-style: chrX-149505043-G-T. GRCh37 (hg19) VCF-style: chrX-148586573-G-T.
Other names: c.-132C>A (NM_001166550.4); c.95C>A, p.Ser32Ter (NM_006123.5); short protein forms S32*.
Identifiers: ClinVar variation 3255699 (VCV003255699.2).

ClinVar aggregate classification (germline): Pathogenic (1 of 4 stars; one submission).

Conditions:
Mucopolysaccharidosis, MPS-II (MPS2). Also called: Hunter Syndrome; IDURONATE 2-SULFATASE DEFICIENCY; Mucopolysaccharidosis Type II; Mucopolysaccharidosis type 2; Attenuated MPS (subtype; formerly known as mild MPS II); Severe MPS II. Identifiers: Orphanet 580, Orphanet 79388, MedGen C0026705, MONDO:0010674, OMIM 309900.

Submission:

Laboratory of Diagnosis and Therapy of Lysosomal Disorders, University of Padova
Classification: Pathogenic for Mucopolysaccharidosis, MPS-II. Last evaluated: 2024-06-07. Review status: criteria provided, single submitter. Criteria: ACMG Guidelines, 2015. Collection method: literature only. Allele origin: germline. Affected: yes. Observed: 3 variant alleles.
Comment: Null variant (PVS1_VeryStrong), Absent from controls (or at low frequency) in gnomAD database (PM2_Moderate), Patient’s phenotype or family history highly specific for the disease (PP4_Strong)

Classification method: ACMG Guidelines [PMID:25741868] with modifications

Literature cited by the submitters: PubMed 9762601; PubMed 21829674; PubMed 36945845.